The following is an entry in ClinVar:

ClinVar aggregate classification (germline): Uncertain significance (1 of 4 stars; one submission).

gnomAD v4.1: 1 of 1,606,956 alleles (0.000062%); highest among the groups gnomAD compares: Non-Finnish European, 0.000085%; no homozygotes.

Submission:

GeneDx
Classification: Uncertain significance. Last evaluated: 2024-12-14. Review status: criteria provided, single submitter. Criteria: GeneDx Variant Classification Process June 2021. Collection method: clinical testing. Allele origin: germline. Affected: yes.
Comment: Not observed at significant frequency in large population cohorts (gnomAD); In silico analysis supports that this missense variant has a deleterious effect on protein structure/function; Has not been previously published as pathogenic or benign to our knowledge

NM_000238.4(KCNH2):c.1634A>G (p.Tyr545Cys)

Gene: KCNH2 (potassium voltage-gated channel subfamily H member 2; minus strand). Cytogenetic location: 7q36.1.
Variant type: single nucleotide variant.
Coding change: c.1634A>G on transcript NM_000238.4 (MANE Select); coding-DNA position 1634, A replaced by G.
Protein change: p.Tyr545Cys; replaces tyrosine 545 with cysteine.
Molecular consequence: missense variant. On other transcripts: non-coding transcript variant (2).
Genome position (GRCh38, 1-based): chr7:150,951,759, T>C on the plus strand (A>G on the coding strand, the complement: KCNH2 is on the minus strand). VCF-style: chr7-150951759-T-C. GRCh37 (hg19) VCF-style: chr7-150648847-T-C.
Other names: c.614A>G, p.Tyr205Cys (NM_001204798.2, NM_172057.3); c.1346A>G, p.Tyr449Cys (NM_001406753.1, NM_001406756.1); c.1457A>G, p.Tyr486Cys (NM_001406755.1); c.1334A>G, p.Tyr445Cys (NM_001406757.1); c.1634A>G, p.Tyr545Cys (NM_172056.3); short protein forms Y205C, Y445C, Y449C, Y486C, Y545C.
Identifiers: ClinVar variation 3903225 (VCV003903225.1).
Genomic context (GRCh38, chr7:150,951,759, plus strand): 5'-GCTAGCCAGTGCGCGATGAGCGCAAAGGTGCACATGAGCAAGAACAGCACGGCCGCGCCG[T>C]ACTCTGAGTAGCGATCCAGCTTCCGCGCCACGCGCACCAGCCGCAGCAGCCGCGCAGTCT-3'
Protein context (NP_000229.1, residues 535-555): VARKLDRYSE[Tyr545Cys]GAAVLFLLMC